The following is an entry in ClinVar:

NC_000014.9:g.105644567T>C

Genes: IGH (immunoglobulin heavy locus; minus strand), IGHG2 (immunoglobulin heavy constant gamma 2 (G2m marker); minus strand). Cytogenetic location: 14q32.33.
Variant type: single nucleotide variant.
Genome position: GRCh38 VCF-style: chr14-105644567-T-C. GRCh37 (hg19) VCF-style: chr14-106110904-T-C.
Identifiers: ClinVar variation 2644927 (VCV002644927.23), dbSNP rs201580297, ClinGen allele CA7393452.
Genomic context (GRCh38, chr14:105,644,567, plus strand): 5'-TCCACCTTGGTGTTGCTGGGCTTGTGATCTACGTTGCAGGTGTAGGTCTGGGTGCCGAAG[T>C]TGCTGGAGGGCACGGTCACCACGCTGCTGAGGGAGTAGAGTCCTGAGGACTGTAGGACAG-3'

ClinVar aggregate classification (germline): Likely benign (1 of 4 stars; one submission).

Allele frequency attached by ClinVar (database versions not stated): 1000 Genomes Project 0.00220; 1000 Genomes Project 30x 0.00500; gnomAD 0.00574.

Submission:

CeGaT Center for Human Genetics Tuebingen
Classification: Likely benign. Last evaluated: 2022-12-01. Review status: criteria provided, single submitter. Criteria: CeGaT Center For Human Genetics Tuebingen Variant Classification Criteria Version 2. Collection method: clinical testing. Allele origin: germline. Affected: yes. Observed: 1 variant allele.
Comment: RP11-731F5.1: BS2